The following is an entry in ClinVar:

ClinVar aggregate classification (germline): Pathogenic. Review status: reviewed by expert panel (3 of 4 stars). 8 submissions from 8 submitters: Pathogenic (1). 7 of the submissions do not count toward it. Last evaluated 2026-09-01.

Conditions:
Glycogen storage disease, type II (IOPD). Also called: POMPE DISEASE, INFANTILE-ONSET; GLYCOGEN STORAGE DISEASE II, INFANTILE-ONSET; ACID ALPHA-GLUCOSIDASE DEFICIENCY, INFANTILE-ONSET; GAA DEFICIENCY, INFANTILE-ONSET; ACID MALTASE DEFICIENCY, INFANTILE-ONSET; Glycogen storage disease type 2. Identifiers: Orphanet 365, MedGen C0017921, MONDO:0009290, OMIM 232300.

Allele frequency attached by ClinVar (database versions not stated): gnomAD exomes below 0.00001.
gnomAD v4.1: 1 of 1,613,162 alleles (0.000062%); highest among the groups gnomAD compares: Non-Finnish European, 0.000085%; no homozygotes.

Submissions (8):

ClinGen Lysosomal Storage Disorder Variant Curation Expert Panel
Classification: Pathogenic for Glycogen storage disease, type II. Last evaluated: 2026-09-01. Review status: reviewed by expert panel. Criteria: clingen_lsd_acmg_specifications_v2-1. Collection method: curation. Allele origin: germline. Inheritance: Autosomal recessive inheritance.
Comment: The NM_000152.5: c.1099T>C variant in GAA is a missense variant resulting in the substitution of tryptophan by arginine at amino acid 367 (p.Trp367Arg). This variant has been reported in at least 4 patients with a diagnosis of infantile onset Pompe disease (IOPD) presenting with symptoms including cardiomegaly and hypotonia, documented deficient GAA activity and/or on enzyme replacement therapy (PMID: 17056254‚ 22658377, 23787031, 25139343, 31510962); it was also reported in one patient with late-onset Pompe disease (LOPD) (PMID: 22958975) (PP4_Moderate). Three patients were reported to be compound heterozygous for the variant and another variant in GAA that has been classified as pathogenic by the ClinGen LD VCEP. In these patients, the second variant was either c.-32-13T>G (phase unconfirmed, 0.5 pt) (PMID: 22958975), c.1802C>T (p.Ser601Leu) (confirmed in trans, 1 pt) (PMID: 22658377, 23401069, 23787031, 25139343, 29122469, 31904026) or c.1942G>A (p.Gly648Ser) (confirmed in trans, 1 pt) PMID: 31510962). One patient was reported to be homozygous for the variant (PMID: 17056254). An additional patient was compound heterozygous for the variant and c.625T>C (p.Tyr209His), phase unconfirmed (PMID: 40952111). The allelic data from this patient will be used in the classification of c.625T>C (p.Tyr209His) and is not included here to avoid circular logic. Total points: 3 (PM3_Strong). The highest population minor allele frequency in gnomAD v4.1.0 is 8.5e-7 (1/1179976 alleles) in the European (non-Finnish) population, which is lower than the ClinGen Lysosomal Diseases VCEP’s threshold for PM2_Supporting (<0.001), meeting this criterion (PM2_Supporting). Expression of the variant in COS-7 cells resulted in <2% wild type GAA activity without mature processed GAA protein on immunoblots, indicating a negative impact on GAA function (PMID: 19862843) (PS3_Supporting). The computational meta-predictor REVEL has a score of 0.944 for the variant, which is above the threshold of 0.7, indicating a negative impact on GAA function (PP3). Another missense variant, c.1099T>G (p.Trp367Gly), in the same codon has been reported in a patient with LOPD (PMID: 29124014). However, the data for p.Trp367Arg will be used in the assessment of p.Trp367Gly and therefore PM5 is not met here in order to avoid circular argument. There is a ClinVar entry for this variant (Variation ID: 555820). Given the multiple reports of patients with features specific for Pompe disease and multiple lines of evidence, including high REVEL score and availability of functional data, the VCEP elected to elevate the classification from Likely Pathogenic to Pathogenic. In summary, this variant was classified as pathogenic for Pompe disease. GAA-specific ACMG/AMP criteria met, as specified by the ClinGen Lysosomal Diseases Variant Curation Expert Panel (Specifications Version 2.0): PM3_Strong, PP4_Moderate, PP3, PS3_Supporting, PM2_Supporting (classification modified to pathogenic). (Classification approved by the ClinGen ClinGen Lysosomal Diseases Variant Curation Expert Panel, on September 1, 2026).

Genomenon, Inc
Classification: Likely pathogenic for Glycogen storage disease, type II. Last evaluated: 2026-07-01. Review status: criteria provided, single submitter. Criteria: Genomenon Sequence Variant Interpretation Standards - Updated. Collection method: curation. Allele origin: germline. Affected: yes. Not counted in ClinVar's aggregate classification.
Comment: GAA p.Trp367Arg (c.1099T>C) is a missense variant that changes the amino acid at codon 367 from Tryptophan to Arginine. This variant has been observed in at least one proband with a GAA-related disorder in the compound heterozygous and/or homozygous state (PMID:40952111;31899940;31510962;25139343;17056254;22658377;22958975). At least one functional study has demonstrated a substantial alteration in protein function relative to the wild-type (PMID:19862843). It is absent or not present at a significant frequency in gnomAD. In silico models predict that this variant is possibly or probably damaging. In conclusion, we classify GAA p.Trp367Arg (c.1099T>C) as a likely pathogenic variant.

Labcorp Genetics (formerly Invitae), Labcorp
Classification: Pathogenic for Glycogen storage disease, type II. Last evaluated: 2026-01-17. Review status: criteria provided, single submitter. Criteria: Invitae Variant Classification Sherloc (09022015). Collection method: clinical testing. Allele origin: germline. Not counted in ClinVar's aggregate classification.
Comment: This sequence change replaces tryptophan, which is neutral and slightly polar, with arginine, which is basic and polar, at codon 367 of the GAA protein (p.Trp367Arg). This variant is not present in population databases (gnomAD no frequency). This missense change has been observed in individual(s) with Pompe disease (PMID: 17056254, 22958975, 23787031, 31510962). In at least one individual the data is consistent with being in trans (on the opposite chromosome) from a pathogenic variant. ClinVar contains an entry for this variant (Variation ID: 555820). Invitae Evidence Modeling of protein sequence and biophysical properties (such as structural, functional, and spatial information, amino acid conservation, physicochemical variation, residue mobility, and thermodynamic stability) indicates that this missense variant is expected to disrupt GAA protein function with a positive predictive value of 95%. Experimental studies have shown that this missense change affects GAA function (PMID: 19862843). For these reasons, this variant has been classified as Pathogenic.

Revvity Omics, Revvity
Classification: Pathogenic. Last evaluated: 2024-10-29. Review status: criteria provided, single submitter. Criteria: ACMG Guidelines, 2015. Collection method: clinical testing. Allele origin: germline. Not counted in ClinVar's aggregate classification.

Natera, Inc.
Classification: Likely pathogenic for Glycogen storage disease type II. Last evaluated: 2024-06-27. Review status: criteria provided, single submitter. Criteria: Natera Variant Classification Schema (03/2026). Collection method: clinical testing. Allele origin: germline. Not counted in ClinVar's aggregate classification.
Comment: The c.1099T>C variant in GAA is a missense variant predicted to cause substitution of tryptophan to arginine at amino acid 367. This variant is rare in the general population with a frequency below the threshold expected for the associated phenotype(s). This variant has been observed in one or more individuals affected with the associated recessive disease, as either homozygous or compound heterozygous with a second variant (PMID: 17056254, 23401069, 31510962, 22958975). Functional studies show that this variant may disrupt protein function (PMID: 19862843). Computational prediction algorithms indicate this variant is likely to affect gene or protein function. Given the available evidence, this variant is classified as Likely Pathogenic.

Genome-Nilou Lab
Classification: Likely pathogenic for Glycogen storage disease, type II. Last evaluated: 2021-07-22. Review status: criteria provided, single submitter. Criteria: ACMG Guidelines, 2015. Collection method: clinical testing. Allele origin: germline. Affected: no. Not counted in ClinVar's aggregate classification.

Women's Health and Genetics/Laboratory Corporation of America, LabCorp
Classification: Pathogenic for Glycogen storage disease, type II. Last evaluated: 2018-09-10. Review status: criteria provided, single submitter. Criteria: LabCorp Variant Classification Summary - May 2015. Collection method: clinical testing. Allele origin: germline. Not counted in ClinVar's aggregate classification.
Comment: Variant summary: GAA c.1099T>C (p.Trp367Arg) results in a non-conservative amino acid change in the encoded protein sequence. Five of five in-silico tools predict a damaging effect of the variant on protein function. The variant was absent in 244902 control chromosomes (gnomAD). c.1099T>C has been reported in the literature in individuals affected with Glycogen Storage Disease, Type 2 (Pompe Disease), including a homozygous patient (Palmer 2007, Palermo 2012, Musumeci 2012, Mori 2017). These data indicate that the variant is likely to be associated with disease. One of these publications also reported that GAA enzyme activity levels measured from a dried blood spot were outside the range of normal activity in a homozygous patient (Palmer 2007). At least one other publication reported experimental evidence evaluating an impact on protein function. The most pronounced variant effect resulted in <2% of normal activity (Flanagan 2009). One clinical diagnostic laboratory has submitted clinical-significance assessments for this variant to ClinVar after 2014 and classified the variant as uncertain significance. Based on the evidence outlined above, the variant was classified as pathogenic.

Counsyl
Classification: Uncertain significance for Glycogen storage disease, type II. Last evaluated: 2017-12-28. Review status: no assertion criteria provided. Collection method: clinical testing. Allele origin: unknown. Not counted in ClinVar's aggregate classification.

Literature cited by the submitters: PubMed 19862843 (cited by 6 submitters); PubMed 40952111 (cited by Genomenon, Inc); PubMed 31899940 (cited by Genomenon, Inc); PubMed 31510962 (cited by 3 submitters); PubMed 25139343 (cited by Genomenon, Inc and Women's Health and Genetics/Laboratory Corporation of America, LabCorp); PubMed 17056254 (cited by 5 submitters); PubMed 22658377 (cited by Genomenon, Inc and Women's Health and Genetics/Laboratory Corporation of America, LabCorp); PubMed 22958975 (cited by 5 submitters); PubMed 23787031 (cited by Labcorp Genetics (formerly Invitae), Labcorp and Women's Health and Genetics/Laboratory Corporation of America, LabCorp); PubMed 23401069 (cited by Natera, Inc.); PubMed 21637107 (cited by Women's Health and Genetics/Laboratory Corporation of America, LabCorp and Counsyl); PubMed 29122469 (cited by Women's Health and Genetics/Laboratory Corporation of America, LabCorp).

NM_000152.5(GAA):c.1099T>C (p.Trp367Arg)

Gene: GAA (alpha glucosidase; plus strand). Cytogenetic location: 17q25.3.
Variant type: single nucleotide variant.
Coding change: c.1099T>C on transcript NM_000152.5 (MANE Select); coding-DNA position 1099, T replaced by C.
Protein change: p.Trp367Arg; replaces tryptophan 367 with arginine.
Molecular consequence: missense variant.
Genome position (GRCh38, 1-based): chr17:80,108,512, T>C. VCF-style: chr17-80108512-T-C. GRCh37 (hg19) VCF-style: chr17-78082311-T-C.
Other names: NM_000152.5(GAA):c.1099T>C; p.Trp367Arg; c.1099T>C (NM_000152.4, LRG_673t1); c.1099T>C, p.Trp367Arg (NM_001079803.3, NM_001079804.3); short protein forms W367R.
Identifiers: ClinVar variation 555820 (VCV000555820.25), dbSNP rs1555600061, ClinGen allele CA401364951.